The following is an entry in ClinVar:

ClinVar aggregate classification (germline): Uncertain significance (1 of 4 stars; one submission).

Submission:

Labcorp Genetics (formerly Invitae), Labcorp
Classification: Uncertain significance. Last evaluated: 2021-12-19. Review status: criteria provided, single submitter. Criteria: Invitae Variant Classification Sherloc (09022015). Collection method: clinical testing. Allele origin: germline.
Comment: In summary, the available evidence is currently insufficient to determine the role of this variant in disease. Therefore, it has been classified as a Variant of Uncertain Significance. Algorithms developed to predict the effect of missense changes on protein structure and function are either unavailable or do not agree on the potential impact of this missense change (SIFT: "Deleterious"; PolyPhen-2: "Not Available"; Align-GVGD: "Class C0"). This variant has not been reported in the literature in individuals affected with FOXL2-related conditions. The frequency data for this variant in the population databases is considered unreliable, as metrics indicate insufficient coverage at this position in the gnomAD database. This sequence change replaces alanine, which is neutral and non-polar, with valine, which is neutral and non-polar, at codon 303 of the FOXL2 protein (p.Ala303Val).

NM_023067.4(FOXL2):c.908C>T (p.Ala303Val)

Gene: FOXL2 (forkhead box L2; minus strand). Cytogenetic location: 3q22.3.
Variant type: single nucleotide variant.
Coding change: c.908C>T on transcript NM_023067.4 (MANE Select); coding-DNA position 908, C replaced by T.
Protein change: p.Ala303Val; replaces alanine 303 with valine.
Molecular consequence: missense variant.
Genome position (GRCh38, 1-based): chr3:138,945,815, G>A on the plus strand (C>T on the coding strand, the complement: FOXL2 is on the minus strand). VCF-style: chr3-138945815-G-A. GRCh37 (hg19) VCF-style: chr3-138664657-G-A.
Other names: short protein forms A303V.
Identifiers: ClinVar variation 2049065 (VCV002049065.4), dbSNP rs933696113, ClinGen allele CA354702195.